The following is an entry in ClinVar:

ClinVar aggregate classification (germline): Benign/Likely benign. Review status: criteria provided, multiple submitters, no conflicts (2 of 4 stars). 4 submissions from 4 submitters: Benign (3); Likely benign (1). Last evaluated 2024-11-14.

Conditions:
SLFN14-related disorder. Also called: SLFN14-related condition.

Allele frequency attached by ClinVar (database versions not stated): gnomAD exomes 0.00090 and 0.00240; ESP Exome Variant Server 0.00898; gnomAD 0.00952 and 0.00875; 1000 Genomes Project 30x 0.00968; TOPMed 0.01071; ExAC 0.00323; 1000 Genomes Project 0.00819.
gnomAD v4.1: 2,662 of 1,550,192 alleles (0.17%); highest among the groups gnomAD compares: African/African-American, 3.1%; 43 homozygotes.

Submissions (4):

PreventionGenetics, part of Exact Sciences
Classification: Benign for SLFN14-related condition. Last evaluated: 2024-11-14. Review status: criteria provided, single submitter. Criteria: ACMG Guidelines, 2015. Collection method: clinical testing. Allele origin: germline.
Comment: This variant is classified as benign based on ACMG/AMP sequence variant interpretation guidelines (Richards et al. 2015 PMID: 25741868, with internal and published modifications).

Mayo Clinic Laboratories, Mayo Clinic
Classification: Likely benign. Last evaluated: 2023-11-06. Review status: criteria provided, single submitter. Criteria: ACMG Guidelines, 2015. Collection method: clinical testing. Allele origin: germline. Observed: 8 variant alleles.
Comment: BS1, BS2_moderate, BP4, BP7

Labcorp Genetics (formerly Invitae), Labcorp
Classification: Benign. Last evaluated: 2018-05-09. Review status: criteria provided, single submitter. Criteria: Invitae Variant Classification Sherloc (09022015). Collection method: clinical testing. Allele origin: germline.

Breakthrough Genomics
Classification: Benign. Review status: criteria provided, single submitter. Criteria: ACMG Guidelines, 2015. Collection method: not provided. Allele origin: germline. Inheritance: Autosomal dominant inheritance. Affected: yes.

NM_001129820.2(SLFN14):c.1872T>C (p.Val624=)

Gene: SLFN14 (schlafen family member 14; minus strand). Cytogenetic location: 17q12.
Variant type: single nucleotide variant.
Coding change: c.1872T>C on transcript NM_001129820.2 (MANE Select); coding-DNA position 1872, T replaced by C.
Protein change: p.Val624=; no amino-acid change (valine 624 retained).
Molecular consequence: synonymous variant.
Genome position (GRCh38, 1-based): chr17:35,552,762, A>G on the plus strand (T>C on the coding strand, the complement: SLFN14 is on the minus strand). VCF-style: chr17-35552762-A-G. GRCh37 (hg19) VCF-style: chr17-33879781-A-G.
Other names: p.Val624=.
Identifiers: ClinVar variation 716486 (VCV000716486.6), dbSNP rs73992855, ClinGen allele CA8504591.